The following is an entry in ClinVar:

ClinVar aggregate classification (germline): Likely benign (1 of 4 stars; one submission).

Submission:

GeneDx
Classification: Likely benign. Last evaluated: 2018-02-26. Review status: criteria provided, single submitter. Criteria: GeneDx Variant Classification (06012015). Collection method: clinical testing. Allele origin: germline. Affected: yes.
Comment: This variant is considered likely benign or benign based on one or more of the following criteria: it is a conservative change, it occurs at a poorly conserved position in the protein, it is predicted to be benign by multiple in silico algorithms, and/or has population frequency not consistent with disease.

NM_007327.4(GRIN1):c.2700+8G>A

Gene: GRIN1 (glutamate ionotropic receptor NMDA type subunit 1; plus strand). Cytogenetic location: 9q34.3.
Variant type: single nucleotide variant.
Coding change: c.2700+8G>A on transcript NM_007327.4 (MANE Select); 8 bases into the intron after coding-DNA position 2700, G replaced by A.
Molecular consequence: intron variant.
Genome position (GRCh38, 1-based): chr9:137,165,304, G>A. VCF-style: chr9-137165304-G-A. GRCh37 (hg19) VCF-style: chr9-140059756-G-A.
Other names: c.2763+8G>A (NM_001185090.2); c.2652+1400G>A (NM_001185091.2); c.2589+1400G>A (NM_021569.4, NM_000832.7).
Identifiers: ClinVar variation 515579 (VCV000515579.1), dbSNP rs201887636, ClinGen allele CA658797384.